The following is an entry in ClinVar:

ClinVar aggregate classification (germline): Uncertain significance. Review status: criteria provided, multiple submitters, no conflicts (2 of 4 stars). 2 submissions from 2 submitters: Uncertain significance (2). Last evaluated 2025-11-10.

Conditions:
Myopathy, centronuclear, 2 (CNM2). Also called: MYOTUBULAR MYOPATHY, AUTOSOMAL RECESSIVE. Identifiers: Orphanet 169186, MedGen CN031787, MONDO:0009709, OMIM 255200.

Allele frequency attached by ClinVar (database versions not stated): gnomAD exomes 0.00002; TOPMed 0.00003.
gnomAD v4.1: 22 of 1,577,002 alleles (0.0014%); highest among the groups gnomAD compares: Middle Eastern, 0.017%; no homozygotes.

Submissions (2):

Labcorp Genetics (formerly Invitae), Labcorp
Classification: Uncertain significance for Myopathy, centronuclear, 2. Last evaluated: 2025-11-10. Review status: criteria provided, single submitter. Criteria: Invitae Variant Classification Sherloc (09022015). Collection method: clinical testing. Allele origin: germline.
Comment: This sequence change replaces alanine, which is neutral and non-polar, with threonine, which is neutral and polar, at codon 289 of the BIN1 protein (p.Ala289Thr). The frequency data for this variant in the population databases is considered unreliable, as metrics indicate poor data quality at this position in the gnomAD database. This variant has not been reported in the literature in individuals affected with BIN1-related conditions. ClinVar contains an entry for this variant (Variation ID: 2107541). Invitae Evidence Modeling of protein sequence and biophysical properties (such as structural, functional, and spatial information, amino acid conservation, physicochemical variation, residue mobility, and thermodynamic stability) indicates that this missense variant is not expected to disrupt BIN1 protein function with a negative predictive value of 80%. In summary, the available evidence is currently insufficient to determine the role of this variant in disease. Therefore, it has been classified as a Variant of Uncertain Significance.

Revvity Omics, Revvity
Classification: Uncertain significance for Myopathy, centronuclear, 2. Last evaluated: 2024-06-20. Review status: criteria provided, single submitter. Criteria: ACMG Guidelines, 2015. Collection method: clinical testing. Allele origin: germline.

NM_139343.3(BIN1):c.865G>A (p.Ala289Thr)

Gene: BIN1 (bridging integrator 1; minus strand). Cytogenetic location: 2q14.3.
Variant type: single nucleotide variant.
Coding change: c.865G>A on transcript NM_139343.3 (MANE Select); coding-DNA position 865, G replaced by A.
Protein change: p.Ala289Thr; replaces alanine 289 with threonine.
Molecular consequence: missense variant.
Genome position (GRCh38, 1-based): chr2:127,059,148, C>T on the plus strand (G>A on the coding strand, the complement: BIN1 is on the minus strand). VCF-style: chr2-127059148-C-T. GRCh37 (hg19) VCF-style: chr2-127816724-C-T.
Other names: c.817G>A, p.Ala273Thr (NM_001320632.2, NM_004305.4, NM_139346.3); c.865G>A, p.Ala289Thr (NM_001320633.2, NM_001320640.2, NM_139344.3 and 1 more transcripts); c.700G>A, p.Ala234Thr (NM_001320634.1); c.772G>A, p.Ala258Thr (NM_001320641.2, NM_139347.3, NM_139348.3 and 3 more transcripts); c.784G>A, p.Ala262Thr (NM_001320642.1); short protein forms A289T, A234T, A262T, A273T, A258T.
Identifiers: ClinVar variation 2107541 (VCV002107541.5), dbSNP rs779552563, ClinGen allele CA1857249.
Genomic context (GRCh38, chr2:127,059,148, plus strand): 5'-CGGGGGTGGCGGCAGGGGAGCCATCTGGAGGCGAAGGGCTCTTGTTCCCTTTTGCAGGCG[C>T]GTTGTCACTGTGGGGGAGGACAAGAAAGGGAGCCCAGTGTTGGGGGGCCAAGGCACAGGA-3'
Protein context (NP_647593.1, residues 279-299): FTVKAQPSDN[Ala289Thr]PAKGNKSPSP